The following is an entry in ClinVar:

ClinVar aggregate classification (germline): Uncertain significance (1 of 4 stars; one submission).

Allele frequency attached by ClinVar (database versions not stated): TOPMed 0.00001.
gnomAD v4.1: 11 of 1,614,238 alleles (0.00068%); highest among the groups gnomAD compares: East Asian, 0.018%; no homozygotes.

Submission:

Labcorp Genetics (formerly Invitae), Labcorp
Classification: Uncertain significance. Last evaluated: 2022-02-25. Review status: criteria provided, single submitter. Criteria: Invitae Variant Classification Sherloc (09022015). Collection method: clinical testing. Allele origin: germline.
Comment: This sequence change replaces glutamic acid, which is acidic and polar, with aspartic acid, which is acidic and polar, at codon 1624 of the CEP250 protein (p.Glu1624Asp). This variant is present in population databases (rs774075651, gnomAD 0.05%). This variant has not been reported in the literature in individuals affected with CEP250-related conditions. Algorithms developed to predict the effect of missense changes on protein structure and function output the following: SIFT: "Not Available"; PolyPhen-2: "Benign"; Align-GVGD: "Not Available". The aspartic acid amino acid residue is found in multiple mammalian species, which suggests that this missense change does not adversely affect protein function. In summary, the available evidence is currently insufficient to determine the role of this variant in disease. Therefore, it has been classified as a Variant of Uncertain Significance.

NM_007186.6(CEP250):c.4872G>C (p.Glu1624Asp)

Gene: CEP250 (centrosomal protein 250; plus strand). Cytogenetic location: 20q11.22.
Variant type: single nucleotide variant.
Coding change: c.4872G>C on transcript NM_007186.6 (MANE Select); coding-DNA position 4872, G replaced by C.
Protein change: p.Glu1624Asp; replaces glutamic acid 1624 with aspartic acid.
Molecular consequence: missense variant.
Genome position (GRCh38, 1-based): chr20:35,503,241, G>C. VCF-style: chr20-35503241-G-C. GRCh37 (hg19) VCF-style: chr20-34091069-G-C.
Other names: c.2976G>C, p.Glu992Asp (NM_001318219.1); short protein forms E1624D, E992D.
Identifiers: ClinVar variation 1924865 (VCV001924865.2), dbSNP rs774075651, ClinGen allele CA9833777.